The following is an entry in ClinVar:

NM_004586.3(RPS6KA3):c.547C>A (p.His183Asn)

Gene: RPS6KA3 (ribosomal protein S6 kinase A3; minus strand). Cytogenetic location: Xp22.12.
Variant type: single nucleotide variant.
Coding change: c.547C>A on transcript NM_004586.3 (MANE Select); coding-DNA position 547, C replaced by A.
Protein change: p.His183Asn; replaces histidine 183 with asparagine.
Molecular consequence: missense variant.
Genome position (GRCh38, 1-based): chrX:20,193,533, G>T on the plus strand (C>A on the coding strand, the complement: RPS6KA3 is on the minus strand). VCF-style: chrX-20193533-G-T. GRCh37 (hg19) VCF-style: chrX-20211651-G-T.
Other names: c.463C>A, p.His155Asn (NM_001438340.1); short protein forms H155N, H183N.
Identifiers: ClinVar variation 4882467 (VCV004882467.2).

ClinVar aggregate classification (germline): Uncertain significance (1 of 4 stars; one submission).

Submission:

Dasa
Classification: Uncertain significance. Last evaluated: 2025-04-16. Review status: criteria provided, single submitter. Criteria: DASA Assertion Criteria. Collection method: clinical testing. Allele origin: germline.
Comment: NM_004586.3(RPS6KA3):c.547C>A (p.His183Asn) is a missense variant that results in the substitution of histidine with asparagine. The affected residue or protein region has prior evidence supporting clinical relevance. This variant is rare in population databases. The currently available literature and clinical evidence are not sufficient to establish a definitive association between this variant and the reported condition. Therefore, this variant is classified as a variant of uncertain significance.